The following is an entry in ClinVar:

ClinVar aggregate classification (germline): Likely benign. Review status: criteria provided, multiple submitters, no conflicts (2 of 4 stars). 3 submissions from 3 submitters: Likely benign (3). Last evaluated 2025-06-20.

Conditions:
Cardiovascular phenotype. Identifiers: MedGen CN230736.
Autosomal recessive limb-girdle muscular dystrophy type 2J (LGMDR10). Also called: Limb-girdle muscular dystrophy, type 2J; MUSCULAR DYSTROPHY, LIMB-GIRDLE, AUTOSOMAL RECESSIVE 10. Identifiers: Orphanet 140922, MedGen C1837342, MONDO:0012127, OMIM 608807.
Dilated cardiomyopathy 1G (CMD1G). Identifiers: Orphanet 154, MedGen C1858763, MONDO:0011400, OMIM 604145.

Allele frequency attached by ClinVar (database versions not stated): gnomAD 0.00001; TOPMed 0.00001; gnomAD exomes 0.00002 and 0.00003; ExAC 0.00003.
gnomAD v4.1: 15 of 1,613,692 alleles (0.00093%); no homozygotes.

Submissions (3):

Labcorp Genetics (formerly Invitae), Labcorp
Classification: Likely benign for Dilated cardiomyopathy 1G; Autosomal recessive limb-girdle muscular dystrophy type 2J. Last evaluated: 2025-06-20. Review status: criteria provided, single submitter. Criteria: Invitae Variant Classification Sherloc (09022015). Collection method: clinical testing. Allele origin: germline.

CeGaT Center for Human Genetics Tuebingen
Classification: Likely benign. Last evaluated: 2024-04-01. Review status: criteria provided, single submitter. Criteria: CeGaT Center For Human Genetics Tuebingen Variant Classification Criteria Version 2. Collection method: clinical testing. Allele origin: germline. Affected: yes. Observed: 2 variant alleles.
Comment: TTN: BP4, BP7

Ambry Genetics
Classification: Likely benign for Cardiovascular phenotype. Last evaluated: 2020-10-06. Review status: criteria provided, single submitter. Criteria: Ambry Variant Classification Scheme 2023. Collection method: clinical testing. Allele origin: germline.

NM_001267550.2(TTN):c.1111A>C (p.Arg371=)

Gene: TTN (titin; minus strand). Cytogenetic location: 2q31.2.
Variant type: single nucleotide variant.
Coding change: c.1111A>C on transcript NM_001267550.2 (MANE Select); coding-DNA position 1111, A replaced by C.
Protein change: p.Arg371=; no amino-acid change (arginine 371 retained).
Molecular consequence: synonymous variant.
Genome position (GRCh38, 1-based): chr2:178,795,056, T>G on the plus strand (A>C on the coding strand, the complement: TTN is on the minus strand). VCF-style: chr2-178795056-T-G. GRCh37 (hg19) VCF-style: chr2-179659783-T-G.
Other names: c.1111A>C, p.Arg371= (NM_001256850.1, NM_003319.4, NM_133378.4 and 3 more transcripts).
Identifiers: ClinVar variation 1608619 (VCV001608619.35), dbSNP rs765810853, ClinGen allele CA2006140.